The following is an entry in ClinVar:

NM_001098484.3(SLC4A4):c.2194A>G (p.Ile732Val)

Gene: SLC4A4 (solute carrier family 4 member 4; plus strand). Cytogenetic location: 4q13.3.
Variant type: single nucleotide variant.
Coding change: c.2194A>G on transcript NM_001098484.3 (MANE Select); coding-DNA position 2194, A replaced by G.
Protein change: p.Ile732Val; replaces isoleucine 732 with valine.
Molecular consequence: missense variant.
Genome position (GRCh38, 1-based): chr4:71,532,089, A>G. VCF-style: chr4-71532089-A-G. GRCh37 (hg19) VCF-style: chr4-72397806-A-G.
Other names: c.2194A>G, p.Ile732Val (NM_001134742.2); c.2062A>G, p.Ile688Val (NM_003759.4); short protein forms I732V, I688V.
Identifiers: ClinVar variation 3005879 (VCV003005879.3), dbSNP rs757296324, ClinGen allele CA2955040.

ClinVar aggregate classification (germline): Uncertain significance (1 of 4 stars; one submission).

Allele frequency attached by ClinVar (database versions not stated): ExAC 0.00001; gnomAD exomes 0.00002; TOPMed 0.00009; gnomAD 0.00011.
gnomAD v4.1: 38 of 1,612,556 alleles (0.0024%); highest among the groups gnomAD compares: Admixed American, 0.052%; 2 homozygotes.

Submission:

Labcorp Genetics (formerly Invitae), Labcorp
Classification: Uncertain significance. Last evaluated: 2023-10-22. Review status: criteria provided, single submitter. Criteria: Invitae Variant Classification Sherloc (09022015). Collection method: clinical testing. Allele origin: germline.
Comment: This sequence change replaces isoleucine, which is neutral and non-polar, with valine, which is neutral and non-polar, at codon 688 of the SLC4A4 protein (p.Ile688Val). This variant is present in population databases (rs757296324, gnomAD 0.03%), including at least one homozygous and/or hemizygous individual. This variant has not been reported in the literature in individuals affected with SLC4A4-related conditions. An algorithm developed to predict the effect of missense changes on protein structure and function (PolyPhen-2) suggests that this variant is likely to be tolerated. In summary, the available evidence is currently insufficient to determine the role of this variant in disease. Therefore, it has been classified as a Variant of Uncertain Significance.